The following is an entry in ClinVar:

ClinVar aggregate classification (germline): Pathogenic/Likely pathogenic. Review status: criteria provided, multiple submitters, no conflicts (2 of 4 stars). 2 submissions from 2 submitters: Pathogenic (1); Likely pathogenic (1). Last evaluated 2026-05-21.

Conditions:
Hereditary cancer-predisposing syndrome. Also called: Neoplastic Syndromes, Hereditary; Tumor predisposition; Hereditary neoplastic syndrome; Hereditary Cancer Syndrome. Identifiers: Orphanet 140162, MedGen C0027672, MeSH D009386, MONDO:0015356.
Familial adenomatous polyposis 1 (FAP1). Also called: FAMILIAL ADENOMATOUS POLYPOSIS 1, ATTENUATED; POLYPOSIS, ADENOMATOUS INTESTINAL. Identifiers: MedGen C2713442, MONDO:0021056, OMIM 175100. Disease mechanism: loss of function.

Submissions (2):

Myriad Genetics, Inc.
Classification: Pathogenic for Familial adenomatous polyposis 1. Last evaluated: 2026-05-21. Review status: criteria provided, single submitter. Criteria: Myriad Autosomal Dominant, Autosomal Recessive and X-Linked Classification Criteria (2023). Collection method: clinical testing. Allele origin: unknown.
Comment: This variant is considered pathogenic. This variant creates a termination codon and is predicted to result in premature protein truncation.

Sema4
Classification: Likely pathogenic for Hereditary cancer-predisposing syndrome. Last evaluated: 2022-02-07. Review status: criteria provided, single submitter. Criteria: Sema4 Curation Guidelines. Collection method: curation. Allele origin: germline.
Comment: To the best of our knowledge, the APC c.5506G>T (p.G1836X) variant has not been reported in individuals with APC-related disease. As this variant is not predicted to cause nonsense-mediated decay, the protein product is expected to be truncated. This variant is not reported in the population database Genome Aggregation Database (PMID: 32461654). This variant has not been reported in ClinVar. Based on the current evidence available, this variant is interpreted as likely pathogenic.

NM_000038.6(APC):c.5506G>T (p.Gly1836Ter)

Gene: APC (APC regulator of Wnt signaling pathway; plus strand). Cytogenetic location: 5q22.2.
Variant type: single nucleotide variant.
Coding change: c.5506G>T on transcript NM_000038.6 (MANE Select); coding-DNA position 5506, G replaced by T.
Protein change: p.Gly1836Ter; replaces glycine 1836 with a stop codon.
Molecular consequence: nonsense.
Genome position (GRCh38, 1-based): chr5:112,841,100, G>T. VCF-style: chr5-112841100-G-T. GRCh37 (hg19) VCF-style: chr5-112176797-G-T.
Other names: c.5506G>T, p.Gly1836Ter (NM_001127510.3, NM_001354895.2); c.5452G>T, p.Gly1818Ter (NM_001127511.3); c.5560G>T, p.Gly1854Ter (NM_001354896.2); c.5536G>T, p.Gly1846Ter (NM_001354897.2); c.5431G>T, p.Gly1811Ter (NM_001354898.2); c.5422G>T, p.Gly1808Ter (NM_001354899.2); c.5383G>T, p.Gly1795Ter (NM_001354900.2); c.5329G>T, p.Gly1777Ter (NM_001354901.2); and 5 more; short protein forms G1553*, G1676*, G1710*, G1735*, G1745*, G1777*, G1795*, G1808*.
Identifiers: ClinVar variation 1692249 (VCV001692249.2), dbSNP rs766739164, ClinGen allele CA16033378.